The following is an entry in ClinVar:

ClinVar aggregate classification (germline): Uncertain significance (1 of 4 stars; one submission).

Allele frequency attached by ClinVar (database versions not stated): gnomAD exomes below 0.00001.
gnomAD v4.1: 1 of 1,611,566 alleles (0.000062%); no homozygotes.

Submission:

Labcorp Genetics (formerly Invitae), Labcorp
Classification: Uncertain significance. Last evaluated: 2021-02-15. Review status: criteria provided, single submitter. Criteria: Invitae Variant Classification Sherloc (09022015). Collection method: clinical testing. Allele origin: germline.
Comment: In summary, the available evidence is currently insufficient to determine the role of this variant in disease. Therefore, it has been classified as a Variant of Uncertain Significance. Algorithms developed to predict the effect of sequence changes on RNA splicing suggest that this variant may disrupt the consensus splice site, but this prediction has not been confirmed by published transcriptional studies. Algorithms developed to predict the effect of missense changes on protein structure and function output the following: SIFT: "Tolerated"; PolyPhen-2: "Benign"; Align-GVGD: "Class C0". The arginine amino acid residue is found in multiple mammalian species, suggesting that this missense change does not adversely affect protein function. These predictions have not been confirmed by published functional studies and their clinical significance is uncertain. This variant has not been reported in the literature in individuals with SKIV2L-related conditions. This variant is not present in population databases (ExAC no frequency). This sequence change replaces glutamine with arginine at codon 306 of the SKIV2L protein (p.Gln306Arg). The glutamine residue is moderately conserved and there is a small physicochemical difference between glutamine and arginine.

NM_006929.5(SKIC2):c.917A>G (p.Gln306Arg)

Gene: SKIC2 (SKI2 subunit of superkiller complex; plus strand). Cytogenetic location: 6p21.33.
Variant type: single nucleotide variant.
Coding change: c.917A>G on transcript NM_006929.5 (MANE Select); coding-DNA position 917, A replaced by G.
Protein change: p.Gln306Arg; replaces glutamine 306 with arginine.
Molecular consequence: missense variant.
Genome position (GRCh38, 1-based): chr6:31,961,674, A>G. VCF-style: chr6-31961674-A-G. GRCh37 (hg19) VCF-style: chr6-31929451-A-G.
Other names: short protein forms Q306R.
Identifiers: ClinVar variation 1372503 (VCV001372503.8), dbSNP rs1190034129, ClinGen allele CA363447337.